The following is an entry in ClinVar:

NM_004281.4(BAG3):c.218G>C (p.Gly73Ala)

Gene: BAG3 (BAG cochaperone 3; plus strand). Cytogenetic location: 10q26.11.
Variant type: single nucleotide variant.
Coding change: c.218G>C on transcript NM_004281.4 (MANE Select); coding-DNA position 218, G replaced by C.
Protein change: p.Gly73Ala; replaces glycine 73 with alanine.
Molecular consequence: missense variant.
Genome position (GRCh38, 1-based): chr10:119,669,888, G>C. VCF-style: chr10-119669888-G-C. GRCh37 (hg19) VCF-style: chr10-121429400-G-C.
Other names: short protein forms G73A.
Identifiers: ClinVar variation 3763100 (VCV003763100.2).
Genomic context (GRCh38, chr10:119,669,888, plus strand): 5'-TGTTTCTCCACTTTTTATTTCAGGAGACTCCATCCTCTGCCAATGGCCCTTCCCGGGAGG[G>C]CTCTAGGCTGCCGCCTGCTAGGGAAGGCCACCCTGTGTACCCCCAGCTCCGACCAGGCTA-3'
Protein context (NP_004272.2, residues 63-83): PSSANGPSRE[Gly73Ala]SRLPPAREGH

ClinVar aggregate classification (germline): Uncertain significance (1 of 4 stars; one submission).

Conditions:
Myofibrillar myopathy 6. Identifiers: Orphanet 199340, MedGen C2751831, MONDO:0013061, OMIM 612954.
Dilated cardiomyopathy 1HH (CMD1HH). Identifiers: Orphanet 154, MedGen C3151293, MONDO:0013479, OMIM 613881.

gnomAD v4.1: 1 of 1,614,174 alleles (0.000062%); highest among the groups gnomAD compares: Non-Finnish European, 0.000085%; no homozygotes.

Submission:

Labcorp Genetics (formerly Invitae), Labcorp
Classification: Uncertain significance for Dilated cardiomyopathy 1HH; Myofibrillar myopathy 6. Last evaluated: 2024-08-13. Review status: criteria provided, single submitter. Criteria: Invitae Variant Classification Sherloc (09022015). Collection method: clinical testing. Allele origin: germline.
Comment: This sequence change replaces glycine, which is neutral and non-polar, with alanine, which is neutral and non-polar, at codon 73 of the BAG3 protein (p.Gly73Ala). This variant is not present in population databases (gnomAD no frequency). This variant has not been reported in the literature in individuals affected with BAG3-related conditions. Invitae Evidence Modeling of protein sequence and biophysical properties (such as structural, functional, and spatial information, amino acid conservation, physicochemical variation, residue mobility, and thermodynamic stability) indicates that this missense variant is not expected to disrupt BAG3 protein function with a negative predictive value of 80%. In summary, the available evidence is currently insufficient to determine the role of this variant in disease. Therefore, it has been classified as a Variant of Uncertain Significance.